The following is an entry in ClinVar:

NM_005732.4(RAD50):c.2524+1G>A

Gene: RAD50 (RAD50 double strand break repair protein; plus strand). Cytogenetic location: 5q31.1.
Variant type: single nucleotide variant.
Coding change: c.2524+1G>A on transcript NM_005732.4 (MANE Select); the canonical splice donor site of the intron after coding-DNA position 2524, G replaced by A.
Molecular consequence: splice donor variant.
Genome position (GRCh38, 1-based): chr5:132,604,047, G>A. VCF-style: chr5-132604047-G-A. GRCh37 (hg19) VCF-style: chr5-131939739-G-A.
Identifiers: ClinVar variation 1492989 (VCV001492989.6), dbSNP rs1581001575, ClinGen allele CA360955974.

ClinVar aggregate classification (germline): Likely pathogenic (1 of 4 stars; one submission).

Conditions:
Hereditary cancer-predisposing syndrome. Also called: Tumor predisposition; Hereditary neoplastic syndrome; Neoplastic Syndromes, Hereditary; Hereditary Cancer Syndrome. Identifiers: Orphanet 140162, MedGen C0027672, MeSH D009386, MONDO:0015356.

Submission:

Labcorp Genetics (formerly Invitae), Labcorp
Classification: Likely pathogenic for Hereditary cancer-predisposing syndrome. Last evaluated: 2022-09-27. Review status: criteria provided, single submitter. Criteria: Invitae Variant Classification Sherloc (09022015). Collection method: clinical testing. Allele origin: germline.
Comment: Algorithms developed to predict the effect of sequence changes on RNA splicing suggest that this variant may disrupt the consensus splice site. In summary, the currently available evidence indicates that the variant is pathogenic, but additional data are needed to prove that conclusively. Therefore, this variant has been classified as Likely Pathogenic. ClinVar contains an entry for this variant (Variation ID: 1492989). This variant has not been reported in the literature in individuals affected with RAD50-related conditions. This variant is not present in population databases (gnomAD no frequency). This sequence change affects a donor splice site in intron 15 of the RAD50 gene. It is expected to disrupt RNA splicing. Variants that disrupt the donor or acceptor splice site typically lead to a loss of protein function (PMID: 16199547), and loss-of-function variants in RAD50 are known to be pathogenic (PMID: 19409520).

Literature cited by the submitters: PubMed 16199547; PubMed 19409520.